The following is an entry in ClinVar:

NM_001395414.1(MUC22):c.3504T>C (p.Val1168=)

Gene: MUC22 (mucin 22; plus strand). Cytogenetic location: 6p21.33.
Variant type: single nucleotide variant.
Coding change: c.3504T>C on transcript NM_001395414.1 (MANE Select); coding-DNA position 3504, T replaced by C.
Protein change: p.Val1168=; no amino-acid change (valine 1168 retained).
Molecular consequence: synonymous variant.
Genome position (GRCh38, 1-based): chr6:31,028,935, T>C. VCF-style: chr6-31028935-T-C. GRCh37 (hg19) VCF-style: chr6-30996712-T-C.
Other names: c.3504T>C, p.Val1168= (NM_001198815.1); c.3513T>C, p.Val1171= (NM_001318484.1).
Identifiers: ClinVar variation 3770780 (VCV003770780.13).

ClinVar aggregate classification (germline): Likely benign (1 of 4 stars; one submission).

Submission:

CeGaT Center for Human Genetics Tuebingen
Classification: Likely benign. Last evaluated: 2026-05-01. Review status: criteria provided, single submitter. Criteria: CeGaT Center For Human Genetics Tuebingen Variant Classification Criteria Version 2. Collection method: clinical testing. Allele origin: germline. Affected: yes. Observed: 2 variant alleles.
Comment: MUC22: BP4, BP7